The following is an entry in ClinVar:

ClinVar aggregate classification (germline): Likely benign. Review status: criteria provided, multiple submitters, no conflicts (2 of 4 stars). 3 submissions from 3 submitters: Likely benign (2). 1 of the submissions does not count toward it. Last evaluated 2024-11-11.

Conditions:
TBX1-related disorder. Also called: TBX1-Related Disorders; TBX1-related condition.
Cardiovascular phenotype. Identifiers: MedGen CN230736.
DiGeorge syndrome. Also called: THIRD AND FOURTH PHARYNGEAL POUCH SYNDROME; Catch22. Identifiers: Orphanet 567, MedGen C0012236, MONDO:0008564, OMIM 188400.

Allele frequency attached by ClinVar (database versions not stated): gnomAD below 0.00001 and 0.00001; TOPMed 0.00001; gnomAD exomes 0.00004; ExAC 0.00005.
gnomAD v4.1: 61 of 1,612,980 alleles (0.0038%); highest among the groups gnomAD compares: South Asian, 0.035%; no homozygotes.

Submissions (3):

Labcorp Genetics (formerly Invitae), Labcorp
Classification: Likely benign for DiGeorge syndrome. Last evaluated: 2024-11-11. Review status: criteria provided, single submitter. Criteria: Invitae Variant Classification Sherloc (09022015). Collection method: clinical testing. Allele origin: germline.

Ambry Genetics
Classification: Likely benign for Cardiovascular phenotype. Last evaluated: 2024-07-05. Review status: criteria provided, single submitter. Criteria: Ambry Variant Classification Scheme 2023. Collection method: clinical testing. Allele origin: germline.

PreventionGenetics, part of Exact Sciences
Classification: Likely benign for TBX1-related condition. Last evaluated: 2024-09-26. Review status: no assertion criteria provided. Collection method: clinical testing. Allele origin: germline. Not counted in ClinVar's aggregate classification.
Comment: This variant is classified as likely benign based on ACMG/AMP sequence variant interpretation guidelines (Richards et al. 2015 PMID: 25741868, with internal and published modifications).

NM_001379200.1(TBX1):c.603C>T (p.Arg201=)

Gene: TBX1 (T-box transcription factor 1; plus strand). Cytogenetic location: 22q11.21.
Variant type: single nucleotide variant.
Coding change: c.603C>T on transcript NM_001379200.1 (MANE Select); coding-DNA position 603, C replaced by T.
Protein change: p.Arg201=; no amino-acid change (arginine 201 retained).
Molecular consequence: synonymous variant.
Genome position (GRCh38, 1-based): chr22:19,764,218, C>T. VCF-style: chr22-19764218-C-T. GRCh37 (hg19) VCF-style: chr22-19751741-C-T.
Other names: c.576C>T, p.Arg192= (NM_005992.1, NM_080646.2, NM_080647.1).
Identifiers: ClinVar variation 707405 (VCV000707405.14), dbSNP rs761495882, ClinGen allele CA10102500.